The following is an entry in ClinVar:

ClinVar aggregate classification (germline): Uncertain significance (1 of 4 stars; one submission).

Conditions:
Dilated cardiomyopathy 1O (CMD1O). Also called: CARDIOMYOPATHY, DILATED, WITH VENTRICULAR TACHYCARDIA. Identifiers: Orphanet 154, MedGen C1837839, MONDO:0012062, OMIM 608569.

Allele frequency attached by ClinVar (database versions not stated): gnomAD exomes below 0.00001.
gnomAD v4.1: 1 of 1,612,800 alleles (0.000062%); highest among the groups gnomAD compares: Non-Finnish European, 0.000085%; no homozygotes.

Submission:

Labcorp Genetics (formerly Invitae), Labcorp
Classification: Uncertain significance for Dilated cardiomyopathy 1O. Last evaluated: 2022-10-25. Review status: criteria provided, single submitter. Criteria: Invitae Variant Classification Sherloc (09022015). Collection method: clinical testing. Allele origin: germline.
Comment: This variant has not been reported in the literature in individuals affected with ABCC9-related conditions. This sequence change replaces proline, which is neutral and non-polar, with alanine, which is neutral and non-polar, at codon 1299 of the ABCC9 protein (p.Pro1299Ala). This variant is not present in population databases (gnomAD no frequency). Algorithms developed to predict the effect of missense changes on protein structure and function (SIFT, PolyPhen-2, Align-GVGD) all suggest that this variant is likely to be tolerated. In summary, the available evidence is currently insufficient to determine the role of this variant in disease. Therefore, it has been classified as a Variant of Uncertain Significance.

NM_020297.4(ABCC9):c.3895C>G (p.Pro1299Ala)

Genes: ABCC9 (ATP binding cassette subfamily C member 9; minus strand), KCNJ8-AS1 (KCNJ8 antisense RNA 1; plus strand). Cytogenetic location: 12p12.1.
Variant type: single nucleotide variant.
Coding change: c.3895C>G on transcript NM_020297.4 (MANE Select); coding-DNA position 3895, C replaced by G.
Protein change: p.Pro1299Ala; replaces proline 1299 with alanine.
Molecular consequence: missense variant.
Genome position (GRCh38, 1-based): chr12:21,815,891, G>C on the plus strand (C>G on the coding strand, the complement: ABCC9 is on the minus strand). VCF-style: chr12-21815891-G-C. GRCh37 (hg19) VCF-style: chr12-21968825-G-C.
Other names: c.3895C>G, p.Pro1299Ala (NM_001377273.1, NM_005691.4); c.3028C>G, p.Pro1010Ala (NM_001377274.1); short protein forms P1010A, P1299A.
Identifiers: ClinVar variation 2012940 (VCV002012940.4), dbSNP rs1942582040, ClinGen allele CA384136331.